The following is an entry in ClinVar:

ClinVar aggregate classification (germline): Uncertain significance (1 of 4 stars; one submission).

Conditions:
Epilepsy. Also called: Seizure disorder. Identifiers: MedGen C0014544, MeSH D004827, MONDO:0005027.

Allele frequency attached by ClinVar (database versions not stated): gnomAD 0.00001; TOPMed 0.00001; gnomAD exomes 0.00002; ExAC 0.00005.
gnomAD v4.1: 91 of 1,550,322 alleles (0.0059%); highest among the groups gnomAD compares: East Asian, 0.16%; no homozygotes.

Submission:

Labcorp Genetics (formerly Invitae), Labcorp
Classification: Uncertain significance for Epilepsy. Last evaluated: 2022-12-06. Review status: criteria provided, single submitter. Criteria: Invitae Variant Classification Sherloc (09022015). Collection method: clinical testing. Allele origin: germline.
Comment: In summary, the available evidence is currently insufficient to determine the role of this variant in disease. Therefore, it has been classified as a Variant of Uncertain Significance. Algorithms developed to predict the effect of sequence changes on RNA splicing suggest that this variant may create or strengthen a splice site. Algorithms developed to predict the effect of missense changes on protein structure and function output the following: SIFT: "Tolerated"; PolyPhen-2: "Benign"; Align-GVGD: "Class C0". The arginine amino acid residue is found in multiple mammalian species, which suggests that this missense change does not adversely affect protein function. ClinVar contains an entry for this variant (Variation ID: 456056). This variant has not been reported in the literature in individuals affected with PIGQ-related conditions. This variant is present in population databases (rs750484214, gnomAD 0.03%). This sequence change replaces glycine, which is neutral and non-polar, with arginine, which is basic and polar, at codon 298 of the PIGQ protein (p.Gly298Arg).

NM_004204.5(PIGQ):c.892G>A (p.Gly298Arg)

Gene: PIGQ (phosphatidylinositol glycan anchor biosynthesis class Q; plus strand). Cytogenetic location: 16p13.3.
Variant type: single nucleotide variant.
Coding change: c.892G>A on transcript NM_004204.5 (MANE Select); coding-DNA position 892, G replaced by A.
Protein change: p.Gly298Arg; replaces glycine 298 with arginine.
Molecular consequence: missense variant.
Genome position (GRCh38, 1-based): chr16:576,204, G>A. VCF-style: chr16-576204-G-A. GRCh37 (hg19) VCF-style: chr16-626204-G-A.
Other names: c.892G>A, p.Gly298Arg (NM_148920.4); short protein forms G298R.
Identifiers: ClinVar variation 456056 (VCV000456056.6), dbSNP rs750484214, ClinGen allele CA7780016.